The following is an entry in ClinVar:

ClinVar aggregate classification (germline): Uncertain significance. Review status: criteria provided, multiple submitters, no conflicts (2 of 4 stars). 2 submissions from 2 submitters: Uncertain significance (2). Last evaluated 2021-08-30.

Conditions:
Retinitis pigmentosa 12 (RP12). Also called: RP WITH OR WITHOUT PPRPE; RP WITH OR WITHOUT PRESERVED PARAARTERIOLE RETINAL PIGMENT EPITHELIUM; RETINITIS PIGMENTOSA WITH OR WITHOUT PARAARTERIOLAR PRESERVATION OF RETINAL PIGMENT EPITHELIUM. Identifiers: Orphanet 791, MedGen C1838647, MONDO:0010818, OMIM 600105.
Leber congenital amaurosis 8 (LCA8). Identifiers: Orphanet 65, MedGen C3151202, MONDO:0013453, OMIM 613835.

Allele frequency attached by ClinVar (database versions not stated): TOPMed 0.00001; ExAC 0.00002.
gnomAD v4.1: 13 of 1,614,124 alleles (0.00081%); highest among the groups gnomAD compares: Middle Eastern, 0.033%; no homozygotes.

Submissions (2):

Labcorp Genetics (formerly Invitae), Labcorp
Classification: Uncertain significance for Leber congenital amaurosis 8; Retinitis pigmentosa 12. Last evaluated: 2021-08-30. Review status: criteria provided, single submitter. Criteria: Invitae Variant Classification Sherloc (09022015). Collection method: clinical testing. Allele origin: germline.
Comment: This sequence change replaces glycine with aspartic acid at codon 444 of the CRB1 protein (p.Gly444Asp). The glycine residue is highly conserved and there is a moderate physicochemical difference between glycine and aspartic acid. This variant is present in population databases (rs778812010, ExAC 0.02%). This variant has not been reported in the literature in individuals affected with CRB1-related conditions. Algorithms developed to predict the effect of missense changes on protein structure and function (SIFT, PolyPhen-2, Align-GVGD) all suggest that this variant is likely to be disruptive. In summary, the available evidence is currently insufficient to determine the role of this variant in disease. Therefore, it has been classified as a Variant of Uncertain Significance.

Blueprint Genetics
Classification: Uncertain significance. Last evaluated: 2018-10-12. Review status: criteria provided, single submitter. Criteria: ACMG Guidelines, 2015. Collection method: clinical testing. Allele origin: germline.

NM_201253.3(CRB1):c.1331G>A (p.Gly444Asp)

Gene: CRB1 (crumbs cell polarity complex component 1; plus strand). Cytogenetic location: 1q31.3.
Variant type: single nucleotide variant.
Coding change: c.1331G>A on transcript NM_201253.3 (MANE Select); coding-DNA position 1331, G replaced by A.
Protein change: p.Gly444Asp; replaces glycine 444 with aspartic acid.
Molecular consequence: missense variant. On other transcripts: non-coding transcript variant (2).
Genome position (GRCh38, 1-based): chr1:197,421,159, G>A. VCF-style: chr1-197421159-G-A. GRCh37 (hg19) VCF-style: chr1-197390289-G-A.
Other names: c.995G>A, p.Gly332Asp (NM_001193640.2); c.1124G>A, p.Gly375Asp (NM_001257965.2); c.1331G>A, p.Gly444Asp (NM_001257966.2); short protein forms G444D, G375D, G332D.
Identifiers: ClinVar variation 2196976 (VCV002196976.2), dbSNP rs778812010, ClinGen allele CA1311906.